The following is an entry in ClinVar:

NM_000094.4(COL7A1):c.940A>C (p.Ser314Arg)

Gene: COL7A1 (collagen type VII alpha 1 chain; minus strand). Cytogenetic location: 3p21.31.
Variant type: single nucleotide variant.
Coding change: c.940A>C on transcript NM_000094.4 (MANE Select); coding-DNA position 940, A replaced by C.
Protein change: p.Ser314Arg; replaces serine 314 with arginine.
Molecular consequence: missense variant.
Genome position (GRCh38, 1-based): chr3:48,592,606, T>G on the plus strand (A>C on the coding strand, the complement: COL7A1 is on the minus strand). VCF-style: chr3-48592606-T-G. GRCh37 (hg19) VCF-style: chr3-48630039-T-G.
Other names: short protein forms S314R.
Identifiers: ClinVar variation 2815719 (VCV002815719.3), dbSNP rs1255793086, ClinGen allele CA352739717.
Genomic context (GRCh38, chr3:48,592,606, plus strand): 5'-TCAGAGGCTGGCAGAATTGCTCACTGGTCCGAGCTGTCCCGCTCACAGCCTCCCCGATGC[T>G]GTTGGCGTAGAGGGCAATCACAGTCACTTGGTACTCGGTCAGTGGCCGGAGACCCCGCAG-3'
Protein context (NP_000085.1, residues 304-324): QVTVIALYAN[Ser314Arg]IGEAVSGTAR

ClinVar aggregate classification (germline): Uncertain significance (1 of 4 stars; one submission).

Submission:

Labcorp Genetics (formerly Invitae), Labcorp
Classification: Uncertain significance. Last evaluated: 2023-10-13. Review status: criteria provided, single submitter. Criteria: Invitae Variant Classification Sherloc (09022015). Collection method: clinical testing. Allele origin: germline.
Comment: This sequence change replaces serine, which is neutral and polar, with arginine, which is basic and polar, at codon 314 of the COL7A1 protein (p.Ser314Arg). This variant is not present in population databases (gnomAD no frequency). This variant has not been reported in the literature in individuals affected with COL7A1-related conditions. Advanced modeling of protein sequence and biophysical properties (such as structural, functional, and spatial information, amino acid conservation, physicochemical variation, residue mobility, and thermodynamic stability) performed at Invitae indicates that this missense variant is not expected to disrupt COL7A1 protein function. In summary, the available evidence is currently insufficient to determine the role of this variant in disease. Therefore, it has been classified as a Variant of Uncertain Significance.